The following is an entry in ClinVar:

NM_002025.4(AFF2):c.2834T>C (p.Met945Thr)

Gene: AFF2 (ALF transcription elongation factor 2; plus strand). Cytogenetic location: Xq28.
Variant type: single nucleotide variant.
Coding change: c.2834T>C on transcript NM_002025.4 (MANE Select); coding-DNA position 2834, T replaced by C.
Protein change: p.Met945Thr; replaces methionine 945 with threonine.
Molecular consequence: missense variant.
Genome position (GRCh38, 1-based): chrX:148,962,858, T>C. VCF-style: chrX-148962858-T-C. GRCh37 (hg19) VCF-style: chrX-148044388-T-C.
Other names: c.2735T>C, p.Met912Thr (NM_001169122.2); c.2804T>C, p.Met935Thr (NM_001169123.2); c.2729T>C, p.Met910Thr (NM_001169124.2); c.2717T>C, p.Met906Thr (NM_001169125.2); c.1757T>C, p.Met586Thr (NM_001170628.1); short protein forms M586T, M906T, M910T, M912T, M935T, M945T.
Identifiers: ClinVar variation 4798859 (VCV004798859.1).

ClinVar aggregate classification (germline): Uncertain significance (1 of 4 stars; one submission).

Submission:

Labcorp Genetics (formerly Invitae), Labcorp
Classification: Uncertain significance. Last evaluated: 2025-05-13. Review status: criteria provided, single submitter. Criteria: Invitae Variant Classification Sherloc (09022015). Collection method: clinical testing. Allele origin: germline.
Comment: This sequence change replaces methionine, which is neutral and non-polar, with threonine, which is neutral and polar, at codon 945 of the AFF2 protein (p.Met945Thr). This variant is present in population databases (rs782052595, gnomAD 0.008%). This variant has not been reported in the literature in individuals affected with AFF2-related conditions. An algorithm developed to predict the effect of missense changes on protein structure and function outputs the following: PolyPhen-2: "Benign". The threonine amino acid residue is found in multiple mammalian species, which suggests that this missense change does not adversely affect protein function. In summary, the available evidence is currently insufficient to determine the role of this variant in disease. Therefore, it has been classified as a Variant of Uncertain Significance.